The following is an entry in ClinVar:

ClinVar aggregate classification (germline): Uncertain significance. Review status: criteria provided, multiple submitters, no conflicts (2 of 4 stars). 3 submissions from 3 submitters: Uncertain significance (3). Last evaluated 2025-02-03.

Conditions:
Inborn genetic diseases. Identifiers: MedGen C0950123, MeSH D030342.

Allele frequency attached by ClinVar (database versions not stated): gnomAD exomes 0.00001; ExAC 0.00002; gnomAD 0.00005; TOPMed 0.00020; 1000 Genomes Project 30x 0.00031; 1000 Genomes Project 0.00040.
gnomAD v4.1: 29 of 1,576,838 alleles (0.0018%); highest among the groups gnomAD compares: Admixed American, 0.023%; no homozygotes.

Submissions (3):

Labcorp Genetics (formerly Invitae), Labcorp
Classification: Uncertain significance. Last evaluated: 2025-02-03. Review status: criteria provided, single submitter. Criteria: Invitae Variant Classification Sherloc (09022015). Collection method: clinical testing. Allele origin: germline.
Comment: This sequence change replaces isoleucine, which is neutral and non-polar, with valine, which is neutral and non-polar, at codon 837 of the HPS3 protein (p.Ile837Val). This variant is present in population databases (rs186872520, gnomAD 0.006%). This variant has not been reported in the literature in individuals affected with HPS3-related conditions. ClinVar contains an entry for this variant (Variation ID: 2079630). Invitae Evidence Modeling of protein sequence and biophysical properties (such as structural, functional, and spatial information, amino acid conservation, physicochemical variation, residue mobility, and thermodynamic stability) indicates that this missense variant is not expected to disrupt HPS3 protein function with a negative predictive value of 80%. In summary, the available evidence is currently insufficient to determine the role of this variant in disease. Therefore, it has been classified as a Variant of Uncertain Significance.

Women's Health and Genetics/Laboratory Corporation of America, LabCorp
Classification: Uncertain significance. Last evaluated: 2024-10-07. Review status: criteria provided, single submitter. Criteria: LabCorp Variant Classification Summary - May 2015. Collection method: clinical testing. Allele origin: germline.
Comment: Variant summary: HPS3 c.2509A>G (p.Ile837Val) results in a conservative amino acid change located in the BLOC-2 complex member HPS3, C-terminal domain (IPR029438) of the encoded protein sequence. Five of five in-silico tools predict a benign effect of the variant on protein function. The variant allele was found at a frequency of 1.6e-05 in 250420 control chromosomes. The available data on variant occurrences in the general population are insufficient to allow any conclusion about variant significance. To our knowledge, no occurrence of c.2509A>G in individuals affected with Hermansky-Pudlak Syndrome and no experimental evidence demonstrating its impact on protein function have been reported. ClinVar contains an entry for this variant (Variation ID: 2079630). Based on the evidence outlined above, the variant was classified as uncertain significance.

Ambry Genetics
Classification: Uncertain significance for Inborn genetic diseases. Last evaluated: 2024-04-15. Review status: criteria provided, single submitter. Criteria: Ambry Variant Classification Scheme 2023. Collection method: clinical testing. Allele origin: germline.

NM_032383.5(HPS3):c.2509A>G (p.Ile837Val)

Genes: CP (ceruloplasmin; minus strand), HPS3 (HPS3 biogenesis of lysosomal organelles complex 2 subunit 1; plus strand). Cytogenetic location: 3q24.
Variant type: single nucleotide variant.
Coding change: c.2509A>G on transcript NM_032383.5 (MANE Select); coding-DNA position 2509, A replaced by G.
Protein change: p.Ile837Val; replaces isoleucine 837 with valine.
Molecular consequence: missense variant.
Genome position (GRCh38, 1-based): chr3:149,163,869, A>G. VCF-style: chr3-149163869-A-G. GRCh37 (hg19) VCF-style: chr3-148881656-A-G.
Other names: c.2014A>G, p.Ile672Val (NM_001308258.2); short protein forms I672V, I837V.
Identifiers: ClinVar variation 2079630 (VCV002079630.5), dbSNP rs186872520, ClinGen allele CA2660383.